The following is an entry in ClinVar:

NM_001368809.2(AMPD2):c.1474C>T (p.Arg492Cys)

Genes: AMPD2 (adenosine monophosphate deaminase 2; plus strand), LOC126805822 (BRD4-independent group 4 enhancer GRCh37_chr1:110170748-110171947; plus strand). Cytogenetic location: 1p13.3.
Variant type: single nucleotide variant.
Coding change: c.1474C>T on transcript NM_001368809.2 (MANE Select); coding-DNA position 1474, C replaced by T.
Protein change: p.Arg492Cys; replaces arginine 492 with cysteine.
Molecular consequence: missense variant.
Genome position (GRCh38, 1-based): chr1:109,628,709, C>T. VCF-style: chr1-109628709-C-T. GRCh37 (hg19) VCF-style: chr1-110171331-C-T.
Other names: c.1636C>T, p.Arg546Cys (NM_001257360.2); c.1282C>T, p.Arg428Cys (NM_001257361.2); c.1411C>T, p.Arg471Cys (NM_001308170.1); c.1474C>T, p.Arg492Cys (NM_004037.9); c.1393C>T, p.Arg465Cys (NM_139156.4); short protein forms R428C, R471C, R465C, R492C, R546C.
Identifiers: ClinVar variation 2197422 (VCV002197422.5), dbSNP rs1333072178, ClinGen allele CA341559079.

ClinVar aggregate classification (germline): Uncertain significance. Review status: criteria provided, multiple submitters, no conflicts (2 of 4 stars). 2 submissions from 2 submitters: Uncertain significance (2). Last evaluated 2024-04-12.

Conditions:
Hereditary spastic paraplegia 63. Also called: Spastic paraplegia 63, autosomal recessive. Identifiers: Orphanet 401805, MedGen C3810295, MONDO:0014305, OMIM 615686.
Pontocerebellar hypoplasia type 9. Identifiers: Orphanet 369920, MedGen C4014354, MONDO:0014351, OMIM 615809.

Allele frequency attached by ClinVar (database versions not stated): gnomAD exomes below 0.00001.
gnomAD v4.1: 4 of 1,613,114 alleles (0.00025%); highest among the groups gnomAD compares: African/African-American, 0.0013%; no homozygotes.

Submissions (2):

GeneDx
Classification: Uncertain significance. Last evaluated: 2024-04-12. Review status: criteria provided, single submitter. Criteria: GeneDx Variant Classification Process June 2021. Collection method: clinical testing. Allele origin: germline. Affected: yes.
Comment: Not observed at significant frequency in large population cohorts (gnomAD); In silico analysis supports that this missense variant has a deleterious effect on protein structure/function; Has not been previously published as pathogenic or benign to our knowledge

Labcorp Genetics (formerly Invitae), Labcorp
Classification: Uncertain significance for Pontocerebellar hypoplasia type 9; Hereditary spastic paraplegia 63. Last evaluated: 2022-02-23. Review status: criteria provided, single submitter. Criteria: Invitae Variant Classification Sherloc (09022015). Collection method: clinical testing. Allele origin: germline.
Comment: This sequence change replaces arginine, which is basic and polar, with cysteine, which is neutral and slightly polar, at codon 546 of the AMPD2 protein (p.Arg546Cys). This variant is present in population databases (no rsID available, gnomAD 0.003%). This variant has not been reported in the literature in individuals affected with AMPD2-related conditions. Algorithms developed to predict the effect of missense changes on protein structure and function are either unavailable or do not agree on the potential impact of this missense change (SIFT: "Deleterious"; PolyPhen-2: "Probably Damaging"; Align-GVGD: "Class C0"). In summary, the available evidence is currently insufficient to determine the role of this variant in disease. Therefore, it has been classified as a Variant of Uncertain Significance.